The following is an entry in ClinVar:

ClinVar aggregate classification (germline): Likely benign (1 of 4 stars; one submission).

gnomAD v4.1: 33 of 1,598,198 alleles (0.0021%); highest among the groups gnomAD compares: Middle Eastern, 0.017%; no homozygotes.

Submission:

CeGaT Center for Human Genetics Tuebingen
Classification: Likely benign. Last evaluated: 2025-01-01. Review status: criteria provided, single submitter. Criteria: CeGaT Center For Human Genetics Tuebingen Variant Classification Criteria Version 2. Collection method: clinical testing. Allele origin: germline. Affected: yes. Observed: 1 variant allele.
Comment: MUC3A: BP4, BP7

NM_005960.2(MUC3A):c.7455G>A (p.Pro2485=)

Gene: MUC3A (mucin 3A, cell surface associated; plus strand). Cytogenetic location: 7q22.1.
Variant type: single nucleotide variant.
Coding change: c.7455G>A on transcript NM_005960.2 (MANE Select); coding-DNA position 7455, G replaced by A.
Protein change: p.Pro2485=; no amino-acid change (proline 2485 retained).
Molecular consequence: synonymous variant.
Genome position (GRCh38, 1-based): chr7:100,959,234, G>A. VCF-style: chr7-100959234-G-A. GRCh37 (hg19) VCF-style: chr7-100551363-G-A.
Identifiers: ClinVar variation 3770858 (VCV003770858.13).